The following is an entry in ClinVar:

NM_003590.5(CUL3):c.*2912T>C

Gene: CUL3 (cullin 3; minus strand). Cytogenetic location: 2q36.2.
Variant type: single nucleotide variant.
Coding change: c.*2912T>C on transcript NM_003590.5 (MANE Select); 2912 bases downstream of the stop codon, T replaced by C.
Molecular consequence: 3 prime UTR variant.
Genome position (GRCh38, 1-based): chr2:224,471,333, A>G on the plus strand (T>C on the coding strand, the complement: CUL3 is on the minus strand). VCF-style: chr2-224471333-A-G. GRCh37 (hg19) VCF-style: chr2-225336050-A-G.
Other names: c.*2912T>C (NM_001257197.2, NM_001257198.2).
Identifiers: ClinVar variation 334588 (VCV000334588.6), dbSNP rs567860520, ClinGen allele CA10612570.

ClinVar aggregate classification (germline): Benign (1 of 4 stars; one submission).

Conditions:
Pseudohypoaldosteronism type 2E (PHA2E). Also called: Pseudohypoaldosteronism Type IIE. Identifiers: Orphanet 300530, Orphanet 757, MedGen C3469606, MONDO:0013782, OMIM 614496.

Allele frequency attached by ClinVar (database versions not stated): 1000 Genomes Project 30x 0.00109; 1000 Genomes Project 0.00120; TOPMed 0.00148; gnomAD 0.00149 and 0.00159; gnomAD exomes 0.00279.
gnomAD v4.1: 384 of 202,568 alleles (0.19%); highest among the groups gnomAD compares: Middle Eastern, 0.83%; 2 homozygotes.

Submission:

Illumina Laboratory Services, Illumina
Classification: Benign for Pseudohypoaldosteronism type 2E. Last evaluated: 2018-01-12. Review status: criteria provided, single submitter. Criteria: ICSL Variant Classification Criteria 13 December 2019. Collection method: clinical testing. Allele origin: germline.
Comment: This variant was observed in the ICSL laboratory as part of a predisposition screen in an ostensibly healthy population. It had not been previously curated by ICSL or reported in the Human Gene Mutation Database (HGMD: prior to June 1st, 2018), and was therefore a candidate for classification through an automated scoring system. Utilizing variant allele frequency, disease prevalence and penetrance estimates, and inheritance mode, an automated score was calculated to assess if this variant is too frequent to cause the disease. Based on the score and internal cut-off values, a variant classified as benign is not then subjected to further curation. The score for this variant resulted in a classification of benign for this disease.